The following is an entry in ClinVar:

ClinVar aggregate classification (germline): Uncertain significance. Review status: criteria provided, multiple submitters, no conflicts (2 of 4 stars). 4 submissions from 4 submitters: Uncertain significance (4). Last evaluated 2025-06-17.

Conditions:
Short-rib thoracic dysplasia 10 with or without polydactyly (SRTD10). Identifiers: Orphanet 474, MedGen C3810175, MONDO:0014284, OMIM 615630.
Retinitis pigmentosa 71 (RP71). Identifiers: Orphanet 791, MedGen C4225342, MONDO:0014618, OMIM 616394.
IFT172-related disorder. Also called: IFT172-related disorders; IFT172-related condition.
Inborn genetic diseases. Identifiers: MedGen C0950123, MeSH D030342.

Allele frequency attached by ClinVar (database versions not stated): ExAC 0.00001; gnomAD exomes 0.00001 and 0.00002; TOPMed 0.00001.
gnomAD v4.1: 5 of 1,613,692 alleles (0.00031%); highest among the groups gnomAD compares: Admixed American, 0.0083%; no homozygotes.

Submissions (4):

Labcorp Genetics (formerly Invitae), Labcorp
Classification: Uncertain significance for Retinitis pigmentosa 71; Short-rib thoracic dysplasia 10 with or without polydactyly. Last evaluated: 2025-06-17. Review status: criteria provided, single submitter. Criteria: Invitae Variant Classification Sherloc (09022015). Collection method: clinical testing. Allele origin: germline.
Comment: This sequence change replaces glutamic acid, which is acidic and polar, with glutamine, which is neutral and polar, at codon 225 of the IFT172 protein (p.Glu225Gln). This variant is present in population databases (rs767999703, gnomAD 0.01%). This variant has not been reported in the literature in individuals affected with IFT172-related conditions. ClinVar contains an entry for this variant (Variation ID: 565931). Invitae Evidence Modeling of protein sequence and biophysical properties (such as structural, functional, and spatial information, amino acid conservation, physicochemical variation, residue mobility, and thermodynamic stability) indicates that this missense variant is not expected to disrupt IFT172 protein function with a negative predictive value of 95%. In summary, the available evidence is currently insufficient to determine the role of this variant in disease. Therefore, it has been classified as a Variant of Uncertain Significance.

PreventionGenetics, part of Exact Sciences
Classification: Uncertain significance for IFT172-related condition. Last evaluated: 2025-05-19. Review status: criteria provided, single submitter. Criteria: ACMG Guidelines, 2015. Collection method: clinical testing. Allele origin: germline.
Comment: The IFT172 c.673G>C variant is predicted to result in the amino acid substitution p.Glu225Gln. To our knowledge, this variant has not been reported in the literature. This variant is reported in 0.014% of alleles in individuals of Latino descent in gnomAD. At this time, the clinical significance of this variant is uncertain due to the absence of conclusive functional and genetic evidence.

Ambry Genetics
Classification: Uncertain significance for Inborn genetic diseases. Last evaluated: 2021-11-12. Review status: criteria provided, single submitter. Criteria: Ambry Variant Classification Scheme 2023. Collection method: clinical testing. Allele origin: germline.

Blueprint Genetics
Classification: Uncertain significance. Last evaluated: 2018-06-09. Review status: criteria provided, single submitter. Criteria: ACMG Guidelines, 2015. Collection method: clinical testing. Allele origin: germline.

NM_015662.3(IFT172):c.673G>C (p.Glu225Gln)

Gene: IFT172 (intraflagellar transport 172; minus strand). Cytogenetic location: 2p23.3.
Variant type: single nucleotide variant.
Coding change: c.673G>C on transcript NM_015662.3 (MANE Select); coding-DNA position 673, G replaced by C.
Protein change: p.Glu225Gln; replaces glutamic acid 225 with glutamine.
Molecular consequence: missense variant.
Genome position (GRCh38, 1-based): chr2:27,481,158, C>G on the plus strand (G>C on the coding strand, the complement: IFT172 is on the minus strand). VCF-style: chr2-27481158-C-G. GRCh37 (hg19) VCF-style: chr2-27704025-C-G.
Other names: c.673G>C (NM_015662.1); short protein forms E225Q.
Identifiers: ClinVar variation 565931 (VCV000565931.9), dbSNP rs767999703, ClinGen allele CA1580898.